The following is an entry in ClinVar:

ClinVar aggregate classification (germline): Uncertain significance (1 of 4 stars; one submission).

Allele frequency attached by ClinVar (database versions not stated): gnomAD exomes below 0.00001.
gnomAD v4.1: 1 of 1,586,216 alleles (0.000063%); highest among the groups gnomAD compares: Non-Finnish European, 0.000086%; no homozygotes.

Submission:

Labcorp Genetics (formerly Invitae), Labcorp
Classification: Uncertain significance. Last evaluated: 2022-10-18. Review status: criteria provided, single submitter. Criteria: Invitae Variant Classification Sherloc (09022015). Collection method: clinical testing. Allele origin: germline.
Comment: In summary, the available evidence is currently insufficient to determine the role of this variant in disease. Therefore, it has been classified as a Variant of Uncertain Significance. Experimental studies and prediction algorithms are not available or were not evaluated, and the functional significance of this variant is currently unknown. This variant has not been reported in the literature in individuals affected with EXOC6B-related conditions. This variant is not present in population databases (gnomAD no frequency). This sequence change replaces glutamic acid, which is acidic and polar, with glycine, which is neutral and non-polar, at codon 478 of the EXOC6B protein (p.Glu478Gly).

NM_015189.3(EXOC6B):c.1433A>G (p.Glu478Gly)

Gene: EXOC6B (exocyst complex component 6B; minus strand). Cytogenetic location: 2p13.2.
Variant type: single nucleotide variant.
Coding change: c.1433A>G on transcript NM_015189.3 (MANE Select); coding-DNA position 1433, A replaced by G.
Protein change: p.Glu478Gly; replaces glutamic acid 478 with glycine.
Molecular consequence: missense variant. On other transcripts: non-coding transcript variant (2).
Genome position (GRCh38, 1-based): chr2:72,496,464, T>C on the plus strand (A>G on the coding strand, the complement: EXOC6B is on the minus strand). VCF-style: chr2-72496464-T-C. GRCh37 (hg19) VCF-style: chr2-72723593-T-C.
Other names: c.1433A>G, p.Glu478Gly (NM_001321729.2, NM_001321730.2, NM_001321731.2 and 1 more transcripts); c.1094A>G, p.Glu365Gly (NM_001321734.2); short protein forms E365G, E478G.
Identifiers: ClinVar variation 2134750 (VCV002134750.4), dbSNP rs2467736822, ClinGen allele CA347429466.